The following is an entry in ClinVar:

NM_000059.4(BRCA2):c.4939dup (p.Thr1647fs)

Gene: BRCA2 (BRCA2 DNA repair associated; plus strand). Cytogenetic location: 13q13.1.
Variant type: Duplication.
Coding change: c.4939dup on transcript NM_000059.4 (MANE Select); coding-DNA position 4939, one base duplicated (A; older notation c.4939dupA).
Protein change: p.Thr1647fs; shifts the reading frame from threonine 1647.
Molecular consequence: frameshift variant.
Genome position (GRCh38, 1-based): chr13:32,339,294, A duplicated; the last of 3 consecutive A bases (chr13:32,339,292-32,339,294); duplicating any one gives the same sequence. VCF-style (leftmost placement, unchanged base first): chr13-32339291-G-GA. GRCh37 (hg19) VCF-style: chr13-32913428-G-GA.
Other names: 5167dupA; short protein forms T1647fs.
Identifiers: ClinVar variation 266839 (VCV000266839.7), dbSNP rs886040555, ClinGen allele CA10589278.

ClinVar aggregate classification (germline): Pathogenic. Review status: reviewed by expert panel (3 of 4 stars). 2 submissions from 2 submitters: Pathogenic (1). 1 of the submissions does not count toward it. Last evaluated 2016-10-18.

Conditions:
Breast-ovarian cancer, familial, susceptibility to, 2 (BROVCA2). Also called: BRCA2 Hereditary Breast and Ovarian Cancer. Identifiers: Orphanet 145, MedGen C2675520, MONDO:0012933, OMIM 612555. Disease mechanism: loss of function.

Submissions (2):

Evidence-based Network for the Interpretation of Germline Mutant Alleles (ENIGMA)
Classification: Pathogenic for Breast-ovarian cancer, familial, susceptibility to, 2. Last evaluated: 2016-10-18. Review status: reviewed by expert panel. Criteria: ENIGMA BRCA1/2 Classification Criteria (2015). Collection method: curation. Allele origin: germline.
Comment: Variant allele predicted to encode a truncated non-functional protein.

Consortium of Investigators of Modifiers of BRCA1/2 (CIMBA), c/o University of Cambridge
Classification: Pathogenic for Breast-ovarian cancer, familial, susceptibility to, 2. Last evaluated: 2015-10-02. Review status: criteria provided, single submitter. Criteria: CIMBA Mutation Classification guidelines May 2016. Collection method: clinical testing. Allele origin: germline. Not counted in ClinVar's aggregate classification.